The following is an entry in ClinVar:

NC_000012.12:g.121627002G>C

Genes: ORAI1 (ORAI calcium release-activated calcium modulator 1; plus strand), LOC130008987 (ATAC-STARR-seq lymphoblastoid silent region 4981; plus strand). Cytogenetic location: 12q24.31.
Variant type: single nucleotide variant.
Molecular consequence: non-coding transcript variant (on NR_186857.1).
Genome position: GRCh38 VCF-style: chr12-121627002-G-C. GRCh37 (hg19) VCF-style: chr12-122064908-G-C.
Identifiers: ClinVar variation 2087442 (VCV002087442.4), dbSNP rs2503522729, ClinGen allele CA386981069.

ClinVar aggregate classification (germline): Uncertain significance (1 of 4 stars; one submission).

Conditions:
Myopathy, tubular aggregate, 2 (TAM2). Identifiers: MedGen C4014557, MONDO:0014383, OMIM 615883.
Combined immunodeficiency due to ORAI1 deficiency. Also called: IMMUNODEFICIENCY 9. Identifiers: Orphanet 169090, Orphanet 317428, MedGen C2748568, MONDO:0013007, OMIM 612782.

Submission:

Labcorp Genetics (formerly Invitae), Labcorp
Classification: Uncertain significance for Myopathy, tubular aggregate, 2; Combined immunodeficiency due to ORAI1 deficiency. Last evaluated: 2025-03-03. Review status: criteria provided, single submitter. Criteria: Invitae Variant Classification Sherloc (09022015). Collection method: clinical testing. Allele origin: germline.
Comment: This sequence change replaces lysine, which is basic and polar, with asparagine, which is neutral and polar, at codon 85 of the ORAI1 protein (p.Lys85Asn). This variant is not present in population databases (gnomAD no frequency). This variant has not been reported in the literature in individuals affected with ORAI1-related conditions. ClinVar contains an entry for this variant (Variation ID: 2087442). Experimental studies and prediction algorithms are not available or were not evaluated, and the functional significance of this variant is currently unknown. In summary, the available evidence is currently insufficient to determine the role of this variant in disease. Therefore, it has been classified as a Variant of Uncertain Significance.